The following is an entry in ClinVar:

NM_024411.5(PDYN):c.*369A>G

Genes: PDYN-AS1 (PDYN antisense RNA 1; plus strand), PDYN (prodynorphin; minus strand). Cytogenetic location: 20p13.
Variant type: single nucleotide variant.
Coding change: c.*369A>G on transcript NM_024411.5 (MANE Select); 369 bases downstream of the stop codon, A replaced by G.
Molecular consequence: 3 prime UTR variant.
Genome position (GRCh38, 1-based): chr20:1,979,954, T>C on the plus strand (A>G on the coding strand, the complement: PDYN is on the minus strand). VCF-style: chr20-1979954-T-C. GRCh37 (hg19) VCF-style: chr20-1960600-T-C.
Other names: c.*369A>G (NM_001190892.1, NM_001190898.3, NM_001190899.2 and 1 more transcripts).
Identifiers: ClinVar variation 337827 (VCV000337827.5), dbSNP rs73894108, ClinGen allele CA10652981.

ClinVar aggregate classification (germline): Benign (1 of 4 stars; one submission).

Conditions:
Spinocerebellar ataxia type 23 (SCA23). Identifiers: Orphanet 101108, MedGen C1853250, MONDO:0012449, OMIM 610245.

Allele frequency attached by ClinVar (database versions not stated): gnomAD exomes 0.00259; gnomAD 0.02105 and 0.02261; 1000 Genomes Project 0.02157; 1000 Genomes Project 30x 0.02342; TOPMed 0.02501.
gnomAD v4.1: 3,711 of 351,484 alleles (1.1%); highest among the groups gnomAD compares: African/African-American, 7.2%; 135 homozygotes.

Submission:

Illumina Laboratory Services, Illumina
Classification: Benign for Spinocerebellar ataxia type 23. Last evaluated: 2018-01-13. Review status: criteria provided, single submitter. Criteria: ICSL Variant Classification Criteria 13 December 2019. Collection method: clinical testing. Allele origin: germline.
Comment: This variant was observed in the ICSL laboratory as part of a predisposition screen in an ostensibly healthy population. It had not been previously curated by ICSL or reported in the Human Gene Mutation Database (HGMD: prior to June 1st, 2018), and was therefore a candidate for classification through an automated scoring system. Utilizing variant allele frequency, disease prevalence and penetrance estimates, and inheritance mode, an automated score was calculated to assess if this variant is too frequent to cause the disease. Based on the score and internal cut-off values, a variant classified as benign is not then subjected to further curation. The score for this variant resulted in a classification of benign for this disease.